The following is an entry in ClinVar:

ClinVar aggregate classification (germline): Uncertain significance. Review status: criteria provided, multiple submitters, no conflicts (2 of 4 stars). 3 submissions from 3 submitters: Uncertain significance (3). Last evaluated 2024-02-06.

Conditions:
Nephrotic syndrome 15. Identifiers: MedGen C4539896, MONDO:0033262, OMIM 617609.

Allele frequency attached by ClinVar (database versions not stated): TOPMed 0.00002; ExAC 0.00005; ESP Exome Variant Server 0.00008; gnomAD exomes 0.00001; gnomAD 0.00002.
gnomAD v4.1: 7 of 1,613,644 alleles (0.00043%); highest among the groups gnomAD compares: Middle Eastern, 0.016%; no homozygotes.

Submissions (3):

Fulgent Genetics
Classification: Uncertain significance for Nephrotic syndrome 15. Last evaluated: 2024-02-06. Review status: criteria provided, single submitter. Criteria: ACMG Guidelines, 2015. Collection method: clinical testing. Allele origin: germline.

Ambry Genetics
Classification: Uncertain significance. Last evaluated: 2023-06-23. Review status: criteria provided, single submitter. Criteria: Ambry Variant Classification Scheme 2023. Collection method: clinical testing. Allele origin: germline.

Labcorp Genetics (formerly Invitae), Labcorp
Classification: Uncertain significance. Last evaluated: 2022-06-23. Review status: criteria provided, single submitter. Criteria: Invitae Variant Classification Sherloc (09022015). Collection method: clinical testing. Allele origin: germline.
Comment: This variant is present in population databases (rs143678646, gnomAD 0.05%). In summary, the available evidence is currently insufficient to determine the role of this variant in disease. Therefore, it has been classified as a Variant of Uncertain Significance. Algorithms developed to predict the effect of missense changes on protein structure and function (SIFT, PolyPhen-2, Align-GVGD) all suggest that this variant is likely to be disruptive. This variant has not been reported in the literature in individuals affected with MAGI2-related conditions. This sequence change replaces isoleucine, which is neutral and non-polar, with valine, which is neutral and non-polar, at codon 498 of the MAGI2 protein (p.Ile498Val).

NM_012301.4(MAGI2):c.1492A>G (p.Ile498Val)

Gene: MAGI2 (membrane associated guanylate kinase, WW and PDZ domain containing 2; minus strand). Cytogenetic location: 7q21.11.
Variant type: single nucleotide variant.
Coding change: c.1492A>G on transcript NM_012301.4 (MANE Select); coding-DNA position 1492, A replaced by G.
Protein change: p.Ile498Val; replaces isoleucine 498 with valine.
Molecular consequence: missense variant.
Genome position (GRCh38, 1-based): chr7:78,256,498, T>C on the plus strand (A>G on the coding strand, the complement: MAGI2 is on the minus strand). VCF-style: chr7-78256498-T-C. GRCh37 (hg19) VCF-style: chr7-77885815-T-C.
Other names: c.1492A>G (NM_012301.3); c.1492A>G, p.Ile498Val (NM_001301128.2); short protein forms I498V.
Identifiers: ClinVar variation 1924018 (VCV001924018.8), dbSNP rs143678646, ClinGen allele CA4313992.
Genomic context (GRCh38, chr7:78,256,498, plus strand): 5'-CTTCAGGATCAAAGGGCAAAGGGTAGCCACGACACAACACCAGGTTGACACTCTGACCAA[T>C]AGGAACAGACTGGAAAAGTTTGACAACATCTGCATGAGTGTGTCCAAGGACACAAACTTC-3'
Protein context (NP_036433.2, residues 488-508): DVVKLFQSVP[Ile498Val]GQSVNLVLCR